The following is an entry in ClinVar:

NM_001040108.2(MLH3):c.1730C>G (p.Ala577Gly)

Gene: MLH3 (mutL homolog 3; minus strand). Cytogenetic location: 14q24.3.
Variant type: single nucleotide variant.
Coding change: c.1730C>G on transcript NM_001040108.2 (MANE Select); coding-DNA position 1730, C replaced by G.
Protein change: p.Ala577Gly; replaces alanine 577 with glycine.
Molecular consequence: missense variant.
Genome position (GRCh38, 1-based): chr14:75,047,926, G>C on the plus strand (C>G on the coding strand, the complement: MLH3 is on the minus strand). VCF-style: chr14-75047926-G-C. GRCh37 (hg19) VCF-style: chr14-75514629-G-C.
Other names: c.1730C>G, p.Ala577Gly (NM_014381.3); short protein forms A577G.
Identifiers: ClinVar variation 3873522 (VCV003873522.1).

ClinVar aggregate classification (germline): Uncertain significance (1 of 4 stars; one submission).

Submission:

Ambry Genetics
Classification: Uncertain significance. Last evaluated: 2025-02-08. Review status: criteria provided, single submitter. Criteria: Ambry Variant Classification Scheme 2023. Collection method: clinical testing. Allele origin: germline.
Comment: The p.A577G variant (also known as c.1730C>G), located in coding exon 1 of the MLH3 gene, results from a C to G substitution at nucleotide position 1730. The alanine at codon 577 is replaced by glycine, an amino acid with similar properties. This amino acid position is conserved. In addition, this alteration is predicted to be tolerated by in silico analysis. Based on the available evidence, the clinical significance of this variant remains unclear.